The following is an entry in ClinVar:

ClinVar aggregate classification (germline): Uncertain significance (1 of 4 stars; one submission).

Conditions:
Fanconi anemia (FA). Also called: Fanconi's anemia. Identifiers: Orphanet 84, MedGen C0015625, MeSH D005199, MONDO:0019391.

Allele frequency attached by ClinVar (database versions not stated): gnomAD exomes below 0.00001.

Submission:

Labcorp Genetics (formerly Invitae), Labcorp
Classification: Uncertain significance for Fanconi anemia. Last evaluated: 2019-12-18. Review status: criteria provided, single submitter. Criteria: Invitae Variant Classification Sherloc (09022015). Collection method: clinical testing. Allele origin: germline.
Comment: In summary, the available evidence is currently insufficient to determine the role of this variant in disease. Therefore, it has been classified as a Variant of Uncertain Significance. Algorithms developed to predict the effect of missense changes on protein structure and function are either unavailable or do not agree on the potential impact of this missense change (SIFT: "Tolerated"; PolyPhen-2: "Probably Damaging"; Align-GVGD: "Class C0"). This variant has not been reported in the literature in individuals with SLX4-related conditions. This variant is not present in population databases (ExAC no frequency). This sequence change replaces glutamic acid with aspartic acid at codon 1164 of the SLX4 protein (p.Glu1164Asp). The glutamic acid residue is moderately conserved and there is a small physicochemical difference between glutamic acid and aspartic acid.

NM_032444.4(SLX4):c.3492A>C (p.Glu1164Asp)

Gene: SLX4 (SLX4 structure-specific endonuclease subunit; minus strand). Cytogenetic location: 16p13.3.
Variant type: single nucleotide variant.
Coding change: c.3492A>C on transcript NM_032444.4 (MANE Select); coding-DNA position 3492, A replaced by C.
Protein change: p.Glu1164Asp; replaces glutamic acid 1164 with aspartic acid.
Molecular consequence: missense variant.
Genome position (GRCh38, 1-based): chr16:3,590,146, T>G on the plus strand (A>C on the coding strand, the complement: SLX4 is on the minus strand). VCF-style: chr16-3590146-T-G. GRCh37 (hg19) VCF-style: chr16-3640147-T-G.
Other names: short protein forms E1164D.
Identifiers: ClinVar variation 859901 (VCV000859901.7), dbSNP rs1324916025, ClinGen allele CA394520021.